The following is an entry in ClinVar:

NM_004320.6(ATP2A1):c.1253C>T (p.Ala418Val)

Gene: ATP2A1 (ATPase sarcoplasmic/endoplasmic reticulum Ca2+ transporting 1; plus strand). Cytogenetic location: 16p11.2.
Variant type: single nucleotide variant.
Coding change: c.1253C>T on transcript NM_004320.6 (MANE Select); coding-DNA position 1253, C replaced by T.
Protein change: p.Ala418Val; replaces alanine 418 with valine.
Molecular consequence: missense variant.
Genome position (GRCh38, 1-based): chr16:28,894,573, C>T. VCF-style: chr16-28894573-C-T. GRCh37 (hg19) VCF-style: chr16-28905894-C-T.
Other names: c.878C>T, p.Ala293Val (NM_001286075.2); c.1253C>T, p.Ala418Val (NM_173201.5); c.1253C>T (NM_173201.4); short protein forms A293V, A418V.
Identifiers: ClinVar variation 1434504 (VCV001434504.9), dbSNP rs2152209408, ClinGen allele CA395407438.
Genomic context (GRCh38, chr16:28,894,573, plus strand): 5'-ATGATAAGCCAGTCCGGCCAGGGCAGTATGACGGGCTGGTGGAGCTGGCCACCATCTGTG[C>T]CCTCTGCAATGACTCCTCCTTGGACTTCAACGAGGTAACCTCTCCTTCCCCTTCCAGTTG-3'
Protein context (NP_004311.1, residues 408-428): DGLVELATIC[Ala418Val]LCNDSSLDFN

ClinVar aggregate classification (germline): Uncertain significance. Review status: criteria provided, multiple submitters, no conflicts (2 of 4 stars). 2 submissions from 2 submitters: Uncertain significance (2). Last evaluated 2022-07-05.

Conditions:
Brody myopathy. Also called: BRODY DISEASE. Identifiers: Orphanet 53347, MedGen C1832918, MONDO:0010977, OMIM 601003.

gnomAD v4.1: 2 of 1,614,138 alleles (0.00012%); highest among the groups gnomAD compares: African/African-American, 0.0013%; no homozygotes.

Submissions (2):

Labcorp Genetics (formerly Invitae), Labcorp
Classification: Uncertain significance for Brody myopathy. Last evaluated: 2022-07-05. Review status: criteria provided, single submitter. Criteria: Invitae Variant Classification Sherloc (09022015). Collection method: clinical testing. Allele origin: germline.
Comment: This sequence change replaces alanine, which is neutral and non-polar, with valine, which is neutral and non-polar, at codon 418 of the ATP2A1 protein (p.Ala418Val). This variant is not present in population databases (gnomAD no frequency). This variant has not been reported in the literature in individuals affected with ATP2A1-related conditions. ClinVar contains an entry for this variant (Variation ID: 1434504). Algorithms developed to predict the effect of missense changes on protein structure and function are either unavailable or do not agree on the potential impact of this missense change (SIFT: "Tolerated"; PolyPhen-2: "Probably Damaging"; Align-GVGD: "Class C0"). In summary, the available evidence is currently insufficient to determine the role of this variant in disease. Therefore, it has been classified as a Variant of Uncertain Significance.

Revvity Omics, Revvity
Classification: Uncertain significance for Brody myopathy. Last evaluated: 2021-04-05. Review status: criteria provided, single submitter. Criteria: ACMG Guidelines, 2015. Collection method: clinical testing. Allele origin: germline.